The following is an entry in ClinVar:

ClinVar aggregate classification (germline): Uncertain significance. Review status: criteria provided, multiple submitters, no conflicts (2 of 4 stars). 2 submissions from 2 submitters: Uncertain significance (2). Last evaluated 2024-11-27.

Conditions:
Inborn genetic diseases. Identifiers: MedGen C0950123, MeSH D030342.

Allele frequency attached by ClinVar (database versions not stated): ExAC 0.00003; gnomAD exomes 0.00004; gnomAD 0.00005; TOPMed 0.00005; ESP Exome Variant Server 0.00008.
gnomAD v4.1: 38 of 1,597,800 alleles (0.0024%); highest among the groups gnomAD compares: East Asian, 0.018%; no homozygotes.

Submissions (2):

Ambry Genetics
Classification: Uncertain significance for Inborn genetic diseases. Last evaluated: 2024-11-27. Review status: criteria provided, single submitter. Criteria: Ambry Variant Classification Scheme 2023. Collection method: clinical testing. Allele origin: germline.

Labcorp Genetics (formerly Invitae), Labcorp
Classification: Uncertain significance. Last evaluated: 2024-06-03. Review status: criteria provided, single submitter. Criteria: Invitae Variant Classification Sherloc (09022015). Collection method: clinical testing. Allele origin: germline.
Comment: This sequence change replaces alanine, which is neutral and non-polar, with threonine, which is neutral and polar, at codon 3117 of the LAMA5 protein (p.Ala3117Thr). This variant is present in population databases (rs372181940, gnomAD 0.009%). This variant has not been reported in the literature in individuals affected with LAMA5-related conditions. ClinVar contains an entry for this variant (Variation ID: 2173569). Advanced modeling of protein sequence and biophysical properties (such as structural, functional, and spatial information, amino acid conservation, physicochemical variation, residue mobility, and thermodynamic stability) performed at Invitae indicates that this missense variant is not expected to disrupt LAMA5 protein function with a negative predictive value of 80%. In summary, the available evidence is currently insufficient to determine the role of this variant in disease. Therefore, it has been classified as a Variant of Uncertain Significance.

NM_005560.6(LAMA5):c.9349G>A (p.Ala3117Thr)

Gene: LAMA5 (laminin subunit alpha 5; minus strand). Cytogenetic location: 20q13.33.
Variant type: single nucleotide variant.
Coding change: c.9349G>A on transcript NM_005560.6 (MANE Select); coding-DNA position 9349, G replaced by A.
Protein change: p.Ala3117Thr; replaces alanine 3117 with threonine.
Molecular consequence: missense variant.
Genome position (GRCh38, 1-based): chr20:62,312,411, C>T on the plus strand (G>A on the coding strand, the complement: LAMA5 is on the minus strand). VCF-style: chr20-62312411-C-T. GRCh37 (hg19) VCF-style: chr20-60887467-C-T.
Other names: c.9349G>A (NM_005560.3); short protein forms A3117T.
Identifiers: ClinVar variation 2173569 (VCV002173569.5), dbSNP rs372181940, ClinGen allele CA9940301.
Genomic context (GRCh38, chr20:62,312,411, plus strand): 5'-CCCCTGCATGTCCACAGATGCCACCCCCAGCCCGGGGAGGGCTGCTCACCAGCAGGTCGG[C>T]GGTGCAGCCGGCGCTCACGCCTGTCGTGTTCAGCCGCTTGAGGTCCACATACTTGCCCAG-3'
Protein context (NP_005551.3, residues 3107-3127): NTTGVSAGCT[Ala3117Thr]DLLVGRAMTF